The following is an entry in ClinVar:

NM_173728.4(ARHGEF15):c.38C>T (p.Thr13Met)

Gene: ARHGEF15 (Rho guanine nucleotide exchange factor 15; plus strand). Cytogenetic location: 17p13.1.
Variant type: single nucleotide variant.
Coding change: c.38C>T on transcript NM_173728.4 (MANE Select); coding-DNA position 38, C replaced by T.
Protein change: p.Thr13Met; replaces threonine 13 with methionine.
Molecular consequence: missense variant.
Genome position (GRCh38, 1-based): chr17:8,312,077, C>T. VCF-style: chr17-8312077-C-T. GRCh37 (hg19) VCF-style: chr17-8215395-C-T.
Other names: c.38C>T, p.Thr13Met (NM_025014.2); c.38C>T (NM_173728.3); short protein forms T13M.
Identifiers: ClinVar variation 1448992 (VCV001448992.10), dbSNP rs373751727, ClinGen allele CA8374765.

ClinVar aggregate classification (germline): Uncertain significance. Review status: criteria provided, multiple submitters, no conflicts (2 of 4 stars). 2 submissions from 2 submitters: Uncertain significance (2). Last evaluated 2024-12-07.

Conditions:
Early-infantile DEE. Also called: Early infantile epileptic encephalopathy; Ohtahara syndrome; Early infantile epileptic encephalopathy with suppression bursts. Identifiers: Orphanet 1934, MedGen C0393706, MONDO:0800491.

Allele frequency attached by ClinVar (database versions not stated): ESP Exome Variant Server 0.00008; 1000 Genomes Project 30x 0.00016; 1000 Genomes Project 0.00020.
gnomAD v4.1: 50 of 1,418,140 alleles (0.0035%); highest among the groups gnomAD compares: East Asian, 0.021%; no homozygotes.

Submissions (2):

Labcorp Genetics (formerly Invitae), Labcorp
Classification: Uncertain significance for Early-infantile DEE. Last evaluated: 2024-12-07. Review status: criteria provided, single submitter. Criteria: Invitae Variant Classification Sherloc (09022015). Collection method: clinical testing. Allele origin: germline.
Comment: This sequence change replaces threonine, which is neutral and polar, with methionine, which is neutral and non-polar, at codon 13 of the ARHGEF15 protein (p.Thr13Met). The frequency data for this variant in the population databases is considered unreliable, as metrics indicate poor data quality at this position in the gnomAD database. This variant has not been reported in the literature in individuals affected with ARHGEF15-related conditions. ClinVar contains an entry for this variant (Variation ID: 1448992). An algorithm developed to predict the effect of missense changes on protein structure and function (PolyPhen-2) suggests that this variant is likely to be tolerated. In summary, the available evidence is currently insufficient to determine the role of this variant in disease. Therefore, it has been classified as a Variant of Uncertain Significance.

Ambry Genetics
Classification: Uncertain significance. Last evaluated: 2023-12-12. Review status: criteria provided, single submitter. Criteria: Ambry Variant Classification Scheme 2023. Collection method: clinical testing. Allele origin: germline.